The following is an entry in ClinVar:

ClinVar aggregate classification (germline): Conflicting classifications of pathogenicity. Review status: criteria provided, conflicting classifications (1 of 4 stars). 2 submissions from 2 submitters: Likely pathogenic (1); Uncertain significance (1). Last evaluated 2025-08-29.

Conditions:
Hypophosphatasia. Also called: Phosphoethanol-aminuria. Identifiers: Orphanet 436, MedGen C0020630, MeSH D007014, MONDO:0018570.

Submissions (2):

Genomenon, Inc
Classification: Uncertain significance for Hypophosphatasia. Last evaluated: 2025-08-29. Review status: criteria provided, single submitter. Criteria: Genomenon Sequence Variant Interpretation Standards. Collection method: curation. Allele origin: germline. Affected: yes.
Comment: ALPL c.380C>T is a missense variant that changes the amino acid at residue 127 from Threonine to Isoleucine. This variant has been observed in at least one proband affected with hypophosphatasia (PMID:38884565). It is absent or not present at a significant frequency in gnomAD. In silico models agree that this variant is possibly or probably damaging. In conclusion, we classify ALPL p.Thr127Ile (c.380C>T) as a variant of unknown significance.

JKU Lab, Dept of Paediatrics, Johannes Kepler University
Classification: Likely pathogenic for Hypophosphatasia. Last evaluated: 2025-06-26. Review status: criteria provided, single submitter. Criteria: ACMG Guidelines, 2015. Collection method: curation, in vitro. Allele origin: germline, not applicable. Affected: yes. Functional consequence: decreased enzyme activity.
Comment: This missense variant is not present in GnomAD 4.1 and does not affect a highly conserved amino acid in a functional domain. The variant is predicted to affect protein function (REVEL score: 0.925). Splice-prediction algorithms predict no effect on splicing. In vitro functional studies showed reduced ALP activity, without a dominant negative effect. This variant has been reported in the literature in individuals affected with ALPL-related conditions (PMID:38884565). The results of the functional testing and the applied ACMG criteria can be viewed at an online resource

Literature cited by the submitters: PubMed 38884565 (cited by Genomenon, Inc and JKU Lab, Dept of Paediatrics, Johannes Kepler University).

NM_000478.6(ALPL):c.380C>T (p.Thr127Ile)

Gene: ALPL (alkaline phosphatase, biomineralization associated; plus strand). Cytogenetic location: 1p36.12.
Variant type: single nucleotide variant.
Coding change: c.380C>T on transcript NM_000478.6 (MANE Select); coding-DNA position 380, C replaced by T.
Protein change: p.Thr127Ile; replaces threonine 127 with isoleucine.
Molecular consequence: missense variant.
Genome position (GRCh38, 1-based): chr1:21,563,192, C>T. VCF-style: chr1-21563192-C-T. GRCh37 (hg19) VCF-style: chr1-21889685-C-T.
Other names: c.215C>T, p.Thr72Ile (NM_001127501.4); c.149C>T, p.Thr50Ile (NM_001177520.3); c.380C>T, p.Thr127Ile (NM_001369803.2, NM_001369804.2, NM_001369805.2); short protein forms T50I, T127I, T72I.
Identifiers: ClinVar variation 3764644 (VCV003764644.4).
Genomic context (GRCh38, chr1:21,563,192, plus strand): 5'-TCCCTGACAGTGCCGGCACCGCCACCGCCTACCTGTGTGGGGTGAAGGCCAATGAGGGCA[C>T]CGTGGGGGTAAGCGCAGCCACTGAGCGTTCCCGGTGCAACACCACCCAGGGGAACGAGGT-3'
Protein context (NP_000469.3, residues 117-137): YLCGVKANEG[Thr127Ile]VGVSAATERS